The following is an entry in ClinVar:

NM_015001.3(SPEN):c.8303C>T (p.Ala2768Val)

Gene: SPEN (spen family transcriptional repressor; plus strand). Cytogenetic location: 1p36.13.
Variant type: single nucleotide variant.
Coding change: c.8303C>T on transcript NM_015001.3 (MANE Select); coding-DNA position 8303, C replaced by T.
Protein change: p.Ala2768Val; replaces alanine 2768 with valine.
Molecular consequence: missense variant.
Genome position (GRCh38, 1-based): chr1:15,934,543, C>T. VCF-style: chr1-15934543-C-T. GRCh37 (hg19) VCF-style: chr1-16261038-C-T.
Other names: short protein forms A2768V.
Identifiers: ClinVar variation 1703336 (VCV001703336.3), dbSNP rs144525015, ClinGen allele CA620261.

ClinVar aggregate classification (germline): Uncertain significance (1 of 4 stars; one submission).

Allele frequency attached by ClinVar (database versions not stated): gnomAD 0.00001; ESP Exome Variant Server 0.00008; TOPMed below 0.00001; ExAC 0.00002.
gnomAD v4.1: 32 of 1,613,940 alleles (0.002%); highest among the groups gnomAD compares: African/African-American, 0.0053%; no homozygotes.

Submission:

GeneDx
Classification: Uncertain significance. Last evaluated: 2023-08-01. Review status: criteria provided, single submitter. Criteria: GeneDx Variant Classification Process June 2021. Collection method: clinical testing. Allele origin: germline.
Comment: In silico analysis supports that this missense variant does not alter protein structure/function; Has not been previously published as pathogenic or benign to our knowledge